The following is an entry in ClinVar:

NM_025150.5(TARS2):c.1885G>A (p.Ala629Thr)

Gene: TARS2 (threonyl-tRNA synthetase 2, mitochondrial; plus strand). Cytogenetic location: 1q21.2.
Variant type: single nucleotide variant.
Coding change: c.1885G>A on transcript NM_025150.5 (MANE Select); coding-DNA position 1885, G replaced by A.
Protein change: p.Ala629Thr; replaces alanine 629 with threonine.
Molecular consequence: missense variant. On other transcripts: non-coding transcript variant (2).
Genome position (GRCh38, 1-based): chr1:150,504,970, G>A. VCF-style: chr1-150504970-G-A. GRCh37 (hg19) VCF-style: chr1-150477446-G-A.
Other names: c.1639G>A, p.Ala547Thr (NM_001271895.2); c.1495G>A, p.Ala499Thr (NM_001271896.2); short protein forms A499T, A547T, A629T.
Identifiers: ClinVar variation 3769985 (VCV003769985.1).
Genomic context (GRCh38, chr1:150,504,970, plus strand): 5'-CTGTGGCTGTCCCCGTTCCAGGTGGTGGTCATCCCTGTGGGGAGTGAGCAAGAGGAATAC[G>A]CCAAAGAGGTAAGGAGTTGAGGTAAGGGAGGGGGCAGAAGCAGGTCCAGTAGAGAGTCTG-3'
Protein context (NP_079426.2, residues 619-639): IPVGSEQEEY[Ala629Thr]KEAQQSLRAA

ClinVar aggregate classification (germline): Uncertain significance (1 of 4 stars; one submission).

gnomAD v4.1: 15 of 1,614,112 alleles (0.00093%); highest among the groups gnomAD compares: African/African-American, 0.0053%; no homozygotes.

Submission:

GeneDx
Classification: Uncertain significance. Last evaluated: 2024-09-12. Review status: criteria provided, single submitter. Criteria: GeneDx Variant Classification Process June 2021. Collection method: clinical testing. Allele origin: germline. Affected: yes.
Comment: Not observed at significant frequency in large population cohorts (gnomAD); In silico analysis supports that this missense variant has a deleterious effect on protein structure/function; Has not been previously published as pathogenic or benign to our knowledge